The following is an entry in ClinVar:

NM_020719.3(PRR12):c.1242C>T (p.Thr414=)

Gene: PRR12 (proline rich 12; plus strand). Cytogenetic location: 19q13.33.
Variant type: single nucleotide variant.
Coding change: c.1242C>T on transcript NM_020719.3 (MANE Select); coding-DNA position 1242, C replaced by T.
Protein change: p.Thr414=; no amino-acid change (threonine 414 retained).
Molecular consequence: synonymous variant.
Genome position (GRCh38, 1-based): chr19:49,595,577, C>T. VCF-style: chr19-49595577-C-T. GRCh37 (hg19) VCF-style: chr19-50098834-C-T.
Identifiers: ClinVar variation 4535076 (VCV004535076.6).

ClinVar aggregate classification (germline): Likely benign (1 of 4 stars; one submission).

gnomAD v4.1: 4 of 1,603,548 alleles (0.00025%); highest among the groups gnomAD compares: Non-Finnish European, 0.00026%; no homozygotes.

Submission:

CeGaT Center for Human Genetics Tuebingen
Classification: Likely benign. Last evaluated: 2025-10-01. Review status: criteria provided, single submitter. Criteria: CeGaT Center For Human Genetics Tuebingen Variant Classification Criteria Version 2. Collection method: clinical testing. Allele origin: germline. Affected: yes. Observed: 1 variant allele.
Comment: PRR12: BP4, BP7